The following is an entry in ClinVar:

ClinVar aggregate classification (germline): Uncertain significance (1 of 4 stars; one submission).

Conditions:
Ehlers-Danlos syndrome, spondylodysplastic type, 2 (EDSSPD2). Also called: Ehlers-Danlos syndrome, progeroid type, 2. Identifiers: Orphanet 536467, Orphanet 75496, MedGen C3809210, MONDO:0014139, OMIM 615349.
Spondyloepimetaphyseal dysplasia with joint laxity (SEMDJL). Identifiers: MedGen C0432243, MONDO:0019675.

Submission:

Labcorp Genetics (formerly Invitae), Labcorp
Classification: Uncertain significance for Ehlers-Danlos syndrome, spondylodysplastic type, 2; Spondyloepimetaphyseal dysplasia with joint laxity. Last evaluated: 2026-02-01. Review status: criteria provided, single submitter. Criteria: Invitae Variant Classification Sherloc (09022015). Collection method: clinical testing. Allele origin: germline.
Comment: This sequence change affects codon 33 of the B3GALT6 mRNA. It is a 'silent' change, meaning that it does not change the encoded amino acid sequence of the B3GALT6 protein. The frequency data for this variant in the population databases is considered unreliable, as metrics indicate insufficient coverage at this position in the gnomAD database. This variant has not been reported in the literature in individuals affected with B3GALT6-related conditions. In summary, the available evidence is currently insufficient to determine the role of this variant in disease. Therefore, it has been classified as a Variant of Uncertain Significance.

NM_080605.4(B3GALT6):c.99G>A (p.Ala33=)

Gene: B3GALT6 (beta-1,3-galactosyltransferase 6; plus strand). Cytogenetic location: 1p36.33.
Variant type: single nucleotide variant.
Coding change: c.99G>A on transcript NM_080605.4 (MANE Select); coding-DNA position 99, G replaced by A.
Protein change: p.Ala33=; no amino-acid change (alanine 33 retained).
Molecular consequence: synonymous variant.
Genome position (GRCh38, 1-based): chr1:1,232,377, G>A. VCF-style: chr1-1232377-G-A. GRCh37 (hg19) VCF-style: chr1-1167757-G-A.
Identifiers: ClinVar variation 4792110 (VCV004792110.1).